The following is an entry in ClinVar:

NM_173598.6(KSR2):c.1533C>T (p.Val511=)

Gene: KSR2 (kinase suppressor of ras 2; minus strand). Cytogenetic location: 12q24.22.
Variant type: single nucleotide variant.
Coding change: c.1533C>T on transcript NM_173598.6 (MANE Select); coding-DNA position 1533, C replaced by T.
Protein change: p.Val511=; no amino-acid change (valine 511 retained).
Molecular consequence: synonymous variant.
Genome position (GRCh38, 1-based): chr12:117,539,873, G>A on the plus strand (C>T on the coding strand, the complement: KSR2 is on the minus strand). VCF-style: chr12-117539873-G-A. GRCh37 (hg19) VCF-style: chr12-117977678-G-A.
Identifiers: ClinVar variation 3354354 (VCV003354354.1).

ClinVar aggregate classification (germline): Likely benign (0 of 4 stars; one submission).

Conditions:
KSR2-related disorder. Also called: KSR2-related condition.

gnomAD v4.1: 1 of 1,609,954 alleles (0.000062%); highest among the groups gnomAD compares: Non-Finnish European, 0.000085%; no homozygotes.

Submission:

PreventionGenetics, part of Exact Sciences
Classification: Likely benign for KSR2-related condition. Last evaluated: 2019-10-24. Review status: no assertion criteria provided. Collection method: clinical testing. Allele origin: germline.
Comment: This variant is classified as likely benign based on ACMG/AMP sequence variant interpretation guidelines (Richards et al. 2015 PMID: 25741868, with internal and published modifications).